The following is an entry in ClinVar:

NM_000179.3(MSH6):c.4001+5_4001+6insAGTTA

Gene: MSH6 (mutS homolog 6; plus strand). Cytogenetic location: 2p16.3.
Variant type: Insertion.
Coding change: c.4001+5_4001+6insAGTTA on transcript NM_000179.3 (MANE Select); bases 5 to 6 of the intron after coding-DNA position 4001, AGTTA inserted.
Molecular consequence: intron variant.
Genome position: GRCh38 VCF-style: chr2-47806656-C-CAGTTA. GRCh37 (hg19) VCF-style: chr2-48033795-C-CAGTTA.
Other names: c.4001+5_4001+6insAGTTA (NM_001406809.1, NM_001406796.1, NM_001406808.1); c.3095+5_3095+6insAGTTA (NM_001406811.1, NM_001406814.1, NM_001281493.2 and 6 more transcripts); c.3704+5_3704+6insAGTTA (NM_001406805.1, NM_001406797.1, NM_001406801.1 and 10 more transcripts); c.4097+5_4097+6insAGTTA (NM_001406795.1); c.3898-123_3898-122insAGTTA (NM_001406802.1); c.4007+5_4007+6insAGTTA (NM_001406813.1); c.3476+5_3476+6insAGTTA (NM_001406807.1, NM_001406799.1, NM_001406806.1); c.*22+5_*22+6insAGTTA (NM_001406800.1); and 9 more.
Identifiers: ClinVar variation 2562458 (VCV002562458.6), dbSNP rs1558394818, ClinGen allele CA532705515.

ClinVar aggregate classification (germline): Uncertain significance. Review status: criteria provided, multiple submitters, no conflicts (2 of 4 stars). 3 submissions from 3 submitters: Uncertain significance (2). 1 of the submissions does not count toward it. Last evaluated 2024-11-04.

Conditions:
Hereditary nonpolyposis colorectal neoplasms. Identifiers: MedGen C0009405, MeSH D003123.
Hereditary cancer-predisposing syndrome. Also called: Neoplastic Syndromes, Hereditary; Hereditary Cancer Syndrome; Hereditary neoplastic syndrome; Tumor predisposition. Identifiers: Orphanet 140162, MedGen C0027672, MeSH D009386, MONDO:0015356.
Lynch syndrome 5 (LYNCH5). Also called: Colorectal cancer, hereditary nonpolyposis, type 5; Hereditary non-polyposis colorectal cancer, type 5. Identifiers: Orphanet 144, MedGen C1833477, MONDO:0013710, OMIM 614350. Disease mechanism: loss of function.

Allele frequency attached by ClinVar (database versions not stated): gnomAD exomes below 0.00001.

Submissions (3):

Labcorp Genetics (formerly Invitae), Labcorp
Classification: Uncertain significance for Hereditary nonpolyposis colorectal neoplasms. Last evaluated: 2024-11-04. Review status: criteria provided, single submitter. Criteria: Invitae Variant Classification Sherloc (09022015). Collection method: clinical testing. Allele origin: germline.
Comment: This sequence change falls in intron 9 of the MSH6 gene. It does not directly change the encoded amino acid sequence of the MSH6 protein. It affects a nucleotide within the consensus splice site. This variant is present in population databases (no rsID available, gnomAD 0.0009%). This variant has not been reported in the literature in individuals affected with MSH6-related conditions. ClinVar contains an entry for this variant (Variation ID: 2562458). Variants that disrupt the consensus splice site are a relatively common cause of aberrant splicing (PMID: 17576681, 9536098). Algorithms developed to predict the effect of sequence changes on RNA splicing suggest that this variant is not likely to affect RNA splicing. In summary, the available evidence is currently insufficient to determine the role of this variant in disease. Therefore, it has been classified as a Variant of Uncertain Significance.

Ambry Genetics
Classification: Uncertain significance for Hereditary cancer-predisposing syndrome. Last evaluated: 2023-04-24. Review status: criteria provided, single submitter. Criteria: Ambry Variant Classification Scheme 2023. Collection method: clinical testing. Allele origin: germline.
Comment: The c.4001+5_4001+6insAGTTA intronic variant, results from an insertion of 5 nucleotides (AGTTA) between nucleotide positions c.4001+5 and c.4001+6 in intron 9 of the MSH6 gene. This nucleotide region is conserved on limited sequence alignment. In silico splice site analysis for this alteration is inconclusive and direct evidence is insufficient at this time (Ambry internal data). Since supporting evidence is limited at this time, the clinical significance of this alteration remains unclear.

Zotz-Klimas Genetics Lab, MVZ Zotz Klimas
Classification: Uncertain significance for Lynch syndrome 5. Last evaluated: 2023-10-09. Review status: no assertion criteria provided. Collection method: clinical testing. Allele origin: germline. Affected: yes. Not counted in ClinVar's aggregate classification.

Literature cited by the submitters: PubMed 17576681 (cited by Labcorp Genetics (formerly Invitae), Labcorp); PubMed 9536098 (cited by Labcorp Genetics (formerly Invitae), Labcorp).